The following is an entry in ClinVar:

ClinVar aggregate classification (germline): Uncertain significance (1 of 4 stars; one submission).

Conditions:
Amyloidosis, hereditary systemic 1 (AMYLD1). Also called: Familial amyloid polyneuropathy; Transthyretin Amyloidosis; AMYLOID CARDIOMYOPATHY; Isolated Cardiac Amyloidosis; Amyloid Cardiomyopathy, Transthyretin-related; Hereditary oculoleptomeningeal amyloid angiopathy. Identifiers: Orphanet 85447, Orphanet 85451, MedGen C2751492, MONDO:0971004, OMIM 105210.

Submission:

Labcorp Genetics (formerly Invitae), Labcorp
Classification: Uncertain significance for Amyloidogenic transthyretin amyloidosis. Last evaluated: 2019-04-22. Review status: criteria provided, single submitter. Criteria: Invitae Variant Classification Sherloc (09022015). Collection method: clinical testing. Allele origin: germline.
Comment: This variant results in a copy number gain of the genomic region encompassing the full coding sequence of the TTR gene. The boundaries of this event are unknown as they extend beyond the assayed region for this gene and therefore may encompass additional genes. As the precise location of this event is unknown, it may be in tandem or it may be located elsewhere in the genome. In summary, the available evidence is currently insufficient to determine the role of this variant in disease. Therefore, it has been classified as a Variant of Uncertain Significance.

NC_000018.10:g.(?_31591160)_(31598685_?)dup

Gene: TTR (transthyretin; plus strand). Cytogenetic location: 18q12.1.
Variant type: Duplication.
Identifiers: ClinVar variation 831607 (VCV000831607.1).